The following is an entry in ClinVar:

NM_015267.4(CUX2):c.951G>A (p.Val317=)

Gene: CUX2 (cut like homeobox 2; plus strand). Cytogenetic location: 12q24.12.
Variant type: single nucleotide variant.
Coding change: c.951G>A on transcript NM_015267.4 (MANE Select); coding-DNA position 951, G replaced by A.
Protein change: p.Val317=; no amino-acid change (valine 317 retained).
Molecular consequence: synonymous variant.
Genome position (GRCh38, 1-based): chr12:111,307,013, G>A. VCF-style: chr12-111307013-G-A. GRCh37 (hg19) VCF-style: chr12-111744817-G-A.
Other names: c.765G>A, p.Val255= (NM_001370598.1).
Identifiers: ClinVar variation 3035188 (VCV003035188.3), dbSNP rs772153748, ClinGen allele CA6788530.
Genomic context (GRCh38, chr12:111,307,013, plus strand): 5'-TCGGCTGGAGGCCGCGCTGGCCTCCAAGGACAGGGAGATCCTGCGGCTGCTGAAGGACGT[G>A]CAGCACCTCCAGAGCTCACTGCAGGAGCTGGAGGAGGCATCCGCCAACCAGATCGCCGAC-3'
Protein context (NP_056082.2, residues 307-327): DREILRLLKD[Val317=]QHLQSSLQEL

ClinVar aggregate classification (germline): Likely benign. Review status: criteria provided, single submitter (1 of 4 stars). 2 submissions from 2 submitters: Likely benign (1). 1 of the submissions does not count toward it. Last evaluated 2026-07-01.

Conditions:
CUX2-related disorder. Also called: CUX2-related condition.

Allele frequency attached by ClinVar (database versions not stated): TOPMed 0.00001; ExAC 0.00002; gnomAD 0.00003.
gnomAD v4.1: 34 of 1,613,706 alleles (0.0021%); highest among the groups gnomAD compares: Non-Finnish European, 0.0025%; no homozygotes.

Submissions (2):

CeGaT Center for Human Genetics Tuebingen
Classification: Likely benign. Last evaluated: 2026-07-01. Review status: criteria provided, single submitter. Criteria: CeGaT Center For Human Genetics Tuebingen Variant Classification Criteria Version 2. Collection method: clinical testing. Allele origin: germline. Affected: yes. Observed: 1 variant allele.
Comment: CUX2: BP4, BP7

PreventionGenetics, part of Exact Sciences
Classification: Likely benign for CUX2-related condition. Last evaluated: 2019-07-30. Review status: no assertion criteria provided. Collection method: clinical testing. Allele origin: germline. Not counted in ClinVar's aggregate classification.
Comment: This variant is classified as likely benign based on ACMG/AMP sequence variant interpretation guidelines (Richards et al. 2015 PMID: 25741868, with internal and published modifications).